The following is an entry in ClinVar:

NM_004356.4(CD81):c.110A>T (p.His37Leu)

Gene: CD81 (CD81 molecule; plus strand). Cytogenetic location: 11p15.5.
Variant type: single nucleotide variant.
Coding change: c.110A>T on transcript NM_004356.4 (MANE Select); coding-DNA position 110, A replaced by T.
Protein change: p.His37Leu; replaces histidine 37 with leucine.
Molecular consequence: missense variant. On other transcripts: 5 prime UTR variant (1).
Genome position (GRCh38, 1-based): chr11:2,390,455, A>T. VCF-style: chr11-2390455-A-T. GRCh37 (hg19) VCF-style: chr11-2411685-A-T.
Other names: c.-104A>T (NM_001297649.2, NM_001425129.1, NM_001425131.1 and 3 more transcripts); c.-100A>T (NM_001425130.1); c.110A>T, p.His37Leu (NM_001425135.1, NM_001425137.1); short protein forms H37L.
Identifiers: ClinVar variation 2865940 (VCV002865940.3), dbSNP rs746946746, ClinGen allele CA379120564.

ClinVar aggregate classification (germline): Uncertain significance (1 of 4 stars; one submission).

Submission:

Labcorp Genetics (formerly Invitae), Labcorp
Classification: Uncertain significance. Last evaluated: 2023-05-19. Review status: criteria provided, single submitter. Criteria: Invitae Variant Classification Sherloc (09022015). Collection method: clinical testing. Allele origin: germline.
Comment: In summary, the available evidence is currently insufficient to determine the role of this variant in disease. Therefore, it has been classified as a Variant of Uncertain Significance. An algorithm developed to predict the effect of missense changes on protein structure and function (PolyPhen-2) suggests that this variant is likely to be disruptive. This variant has not been reported in the literature in individuals affected with CD81-related conditions. This variant is not present in population databases (gnomAD no frequency). This sequence change replaces histidine, which is basic and polar, with leucine, which is neutral and non-polar, at codon 37 of the CD81 protein (p.His37Leu).